The following is an entry in ClinVar:

ClinVar aggregate classification (germline): Uncertain significance (1 of 4 stars; one submission).

Conditions:
Nemaline myopathy 2 (NEM2). Also called: Nemaline myopathy 2, autosomal recessive. Identifiers: MedGen C1850569, MONDO:0009725, OMIM 256030.

Submission:

Labcorp Genetics (formerly Invitae), Labcorp
Classification: Uncertain significance for Nemaline myopathy 2. Last evaluated: 2022-09-20. Review status: criteria provided, single submitter. Criteria: Invitae Variant Classification Sherloc (09022015). Collection method: clinical testing. Allele origin: germline.
Comment: This sequence change replaces aspartic acid, which is acidic and polar, with alanine, which is neutral and non-polar, at codon 6303 of the NEB protein (p.Asp6303Ala). This variant is not present in population databases (gnomAD no frequency). This variant has not been reported in the literature in individuals affected with NEB-related conditions. Algorithms developed to predict the effect of missense changes on protein structure and function are either unavailable or do not agree on the potential impact of this missense change (SIFT: "Deleterious"; PolyPhen-2: "Not Available"; Align-GVGD: "Class C0"). In summary, the available evidence is currently insufficient to determine the role of this variant in disease. Therefore, it has been classified as a Variant of Uncertain Significance.

NM_001164508.2(NEB):c.18908A>C (p.Asp6303Ala)

Gene: NEB (nebulin; minus strand). Cytogenetic location: 2q23.3.
Variant type: single nucleotide variant.
Coding change: c.18908A>C on transcript NM_001164508.2 (MANE Select); coding-DNA position 18908, A replaced by C.
Protein change: p.Asp6303Ala; replaces aspartic acid 6303 with alanine.
Molecular consequence: missense variant.
Genome position (GRCh38, 1-based): chr2:151,562,198, T>G on the plus strand (A>C on the coding strand, the complement: NEB is on the minus strand). VCF-style: chr2-151562198-T-G. GRCh37 (hg19) VCF-style: chr2-152418712-T-G.
Other names: c.18908A>C, p.Asp6303Ala (NM_001164507.2, NM_001271208.2); c.13805A>C, p.Asp4602Ala (NM_004543.5); short protein forms D4602A, D6303A.
Identifiers: ClinVar variation 1719836 (VCV001719836.3), dbSNP rs2552190084, ClinGen allele CA348797140.
Genomic context (GRCh38, chr2:151,562,198, plus strand): 5'-GCATGGAGGATTTGGGGTGTATCCCAAACGTAGCAACCAATGCCTTTCAACCAATTCAGG[T>G]CATCTTTATACACATTCTGCAAGAAAGAGAGAACAATGAAATGTGGAAGGTATTCTGAAT-3'
Protein context (NP_001157980.2, residues 6293-6313): EILSDNVYKD[Asp6303Ala]LNWLKGIGCY